The following is an entry in ClinVar:

ClinVar aggregate classification (germline): Uncertain significance (1 of 4 stars; one submission).

gnomAD v4.1: 11 of 1,608,576 alleles (0.00068%); highest among the groups gnomAD compares: Non-Finnish European, 0.00085%; no homozygotes.

Submission:

Labcorp Genetics (formerly Invitae), Labcorp
Classification: Uncertain significance. Last evaluated: 2026-01-12. Review status: criteria provided, single submitter. Criteria: Invitae Variant Classification Sherloc (09022015). Collection method: clinical testing. Allele origin: germline.
Comment: This sequence change replaces glycine, which is neutral and non-polar, with arginine, which is basic and polar, at codon 3 of the TGM6 protein (p.Gly3Arg). This variant also falls at the last nucleotide of exon 1, which is part of the consensus splice site for this exon. The frequency data for this variant in the population databases is considered unreliable, as metrics indicate poor data quality at this position in the gnomAD database. This variant has not been reported in the literature in individuals affected with TGM6-related conditions. An algorithm developed to predict the effect of missense changes on protein structure and function (PolyPhen-2) suggests that this variant is likely to be tolerated. Variants that disrupt the consensus splice site are a relatively common cause of aberrant splicing (PMID: 17576681, 9536098). In summary, the available evidence is currently insufficient to determine the role of this variant in disease. Therefore, it has been classified as a Variant of Uncertain Significance.

Literature cited by the submitters: PubMed 17576681; PubMed 9536098.

NM_198994.3(TGM6):c.7G>A (p.Gly3Arg)

Gene: TGM6 (transglutaminase 6; plus strand). Cytogenetic location: 20p13.
Variant type: single nucleotide variant.
Coding change: c.7G>A on transcript NM_198994.3 (MANE Select); coding-DNA position 7, G replaced by A.
Protein change: p.Gly3Arg; replaces glycine 3 with arginine.
Molecular consequence: missense variant.
Genome position (GRCh38, 1-based): chr20:2,380,975, G>A. VCF-style: chr20-2380975-G-A. GRCh37 (hg19) VCF-style: chr20-2361621-G-A.
Other names: c.7G>A, p.Gly3Arg (NM_001254734.2); short protein forms G3R.
Identifiers: ClinVar variation 4705569 (VCV004705569.1).